The following is an entry in ClinVar:

ClinVar aggregate classification (germline): Uncertain significance (1 of 4 stars; one submission).

Conditions:
Methylcobalamin deficiency type cblG (HMAG). Also called: HOMOCYSTINURIA-MEGALOBLASTIC ANEMIA, cblG COMPLEMENTATION TYPE; HOMOCYSTINURIA-MEGALOBLASTIC ANEMIA, cblG TYPE; Functional methionine synthase deficiency type cblG; HOMOCYSTINURIA-MEGALOBLASTIC ANEMIA DUE TO DEFECT IN COBALAMIN METABOLISM, cblG COMPLEMENTATION TYPE. Identifiers: Orphanet 2170, Orphanet 622, MedGen C1855128, MONDO:0009609, OMIM 250940.

Allele frequency attached by ClinVar (database versions not stated): gnomAD exomes below 0.00001; gnomAD 0.00001; TOPMed 0.00002; 1000 Genomes Project 30x 0.00016; 1000 Genomes Project 0.00020.
gnomAD v4.1: 3 of 1,612,766 alleles (0.00019%); highest among the groups gnomAD compares: African/African-American, 0.004%; no homozygotes.

Submission:

Labcorp Genetics (formerly Invitae), Labcorp
Classification: Uncertain significance for Methylcobalamin deficiency type cblG. Last evaluated: 2022-02-19. Review status: criteria provided, single submitter. Criteria: Invitae Variant Classification Sherloc (09022015). Collection method: clinical testing. Allele origin: germline.
Comment: This sequence change replaces isoleucine, which is neutral and non-polar, with valine, which is neutral and non-polar, at codon 707 of the MTR protein (p.Ile707Val). This variant is present in population databases (rs557777496, gnomAD 0.007%). This variant has not been reported in the literature in individuals affected with MTR-related conditions. Algorithms developed to predict the effect of missense changes on protein structure and function (SIFT, PolyPhen-2, Align-GVGD) all suggest that this variant is likely to be tolerated. In summary, the available evidence is currently insufficient to determine the role of this variant in disease. Therefore, it has been classified as a Variant of Uncertain Significance.

NM_000254.3(MTR):c.2119A>G (p.Ile707Val)

Gene: MTR (5-methyltetrahydrofolate-homocysteine methyltransferase; plus strand). Cytogenetic location: 1q43.
Variant type: single nucleotide variant.
Coding change: c.2119A>G on transcript NM_000254.3 (MANE Select); coding-DNA position 2119, A replaced by G.
Protein change: p.Ile707Val; replaces isoleucine 707 with valine.
Molecular consequence: missense variant. On other transcripts: intron variant (1).
Genome position (GRCh38, 1-based): chr1:236,861,200, A>G. VCF-style: chr1-236861200-A-G. GRCh37 (hg19) VCF-style: chr1-237024500-A-G.
Other names: c.898A>G, p.Ile300Val (NM_001291940.2); c.2119A>G, p.Ile707Val (NM_001410942.1); c.2044-1036A>G (NM_001291939.1); short protein forms I300V, I707V.
Identifiers: ClinVar variation 1948768 (VCV001948768.2), dbSNP rs557777496, ClinGen allele CA39752019.